The following is an entry in ClinVar:

ClinVar aggregate classification (germline): Uncertain significance (1 of 4 stars; one submission).

Submission:

GeneDx
Classification: Uncertain significance. Last evaluated: 2023-05-25. Review status: criteria provided, single submitter. Criteria: GeneDx Variant Classification Process June 2021. Collection method: clinical testing. Allele origin: germline. Affected: yes.
Comment: Not observed at significant frequency in large population cohorts (gnomAD); In silico analysis supports that this missense variant has a deleterious effect on protein structure/function; In silico analysis supports a deleterious effect on splicing; Has not been previously published as pathogenic or benign to our knowledge

NM_014991.6(WDFY3):c.3041G>T (p.Gly1014Val)

Gene: WDFY3 (WD repeat and FYVE domain containing 3; minus strand). Cytogenetic location: 4q21.23.
Variant type: single nucleotide variant.
Coding change: c.3041G>T on transcript NM_014991.6 (MANE Select); coding-DNA position 3041, G replaced by T.
Protein change: p.Gly1014Val; replaces glycine 1014 with valine.
Molecular consequence: missense variant.
Genome position (GRCh38, 1-based): chr4:84,796,647, C>A on the plus strand (G>T on the coding strand, the complement: WDFY3 is on the minus strand). VCF-style: chr4-84796647-C-A. GRCh37 (hg19) VCF-style: chr4-85717800-C-A.
Other names: short protein forms G1014V.
Identifiers: ClinVar variation 3343802 (VCV003343802.1).
Genomic context (GRCh38, chr4:84,796,647, plus strand): 5'-ATGTCATGTGGGGTTGTCATGGAGACCAGACACTTCACCCTGGTCAGGGGTACAGTACTT[C>A]CTTCCGCAGATTTTACCAGGCTCTTGCTTATCCGGTAATGGTTATCTTCATGTAAGCTAA-3'
Protein context (NP_055806.2, residues 1004-1024): ISKSLVKSAE[Gly1014Val]STVPLTRVKC